The following is an entry in ClinVar:

ClinVar aggregate classification (germline): Benign/Likely benign. Review status: criteria provided, multiple submitters, no conflicts (2 of 4 stars). 3 submissions from 3 submitters: Benign (1); Likely benign (2). Last evaluated 2024-04-02.

Conditions:
Familial adenomatous polyposis 1 (FAP1). Also called: POLYPOSIS, ADENOMATOUS INTESTINAL; FAMILIAL ADENOMATOUS POLYPOSIS 1, ATTENUATED. Identifiers: MedGen C2713442, MONDO:0021056, OMIM 175100. Disease mechanism: loss of function.
Hereditary cancer-predisposing syndrome. Also called: Neoplastic Syndromes, Hereditary; Hereditary neoplastic syndrome; Tumor predisposition; Hereditary Cancer Syndrome. Identifiers: Orphanet 140162, MedGen C0027672, MeSH D009386, MONDO:0015356.

Allele frequency attached by ClinVar (database versions not stated): gnomAD 0.00001.
gnomAD v4.1: 1 of 1,613,862 alleles (0.000062%); highest among the groups gnomAD compares: African/African-American, 0.0013%; no homozygotes.

Submissions (3):

Myriad Genetics, Inc.
Classification: Benign for Familial adenomatous polyposis 1. Last evaluated: 2024-04-02. Review status: criteria provided, single submitter. Criteria: Myriad Autosomal Dominant, Autosomal Recessive and X-Linked Classification Criteria (2023). Collection method: clinical testing. Allele origin: unknown.
Comment: This variant is considered benign. This variant is a silent/synonymous amino acid change and it is not expected to impact splicing.

Labcorp Genetics (formerly Invitae), Labcorp
Classification: Likely benign for Familial adenomatous polyposis 1. Last evaluated: 2024-03-27. Review status: criteria provided, single submitter. Criteria: Invitae Variant Classification Sherloc (09022015). Collection method: clinical testing. Allele origin: germline.

Ambry Genetics
Classification: Likely benign for Hereditary cancer-predisposing syndrome. Last evaluated: 2024-02-16. Review status: criteria provided, single submitter. Criteria: Ambry Variant Classification Scheme 2023. Collection method: clinical testing. Allele origin: germline.

NM_000038.6(APC):c.5709C>T (p.Asn1903=)

Gene: APC (APC regulator of Wnt signaling pathway; plus strand). Cytogenetic location: 5q22.2.
Variant type: single nucleotide variant.
Coding change: c.5709C>T on transcript NM_000038.6 (MANE Select); coding-DNA position 5709, C replaced by T.
Protein change: p.Asn1903=; no amino-acid change (asparagine 1903 retained).
Molecular consequence: synonymous variant.
Genome position (GRCh38, 1-based): chr5:112,841,303, C>T. VCF-style: chr5-112841303-C-T. GRCh37 (hg19) VCF-style: chr5-112177000-C-T.
Other names: c.5709C>T, p.Asn1903= (NM_001127510.3, NM_001354895.2); c.5655C>T, p.Asn1885= (NM_001127511.3); c.5763C>T, p.Asn1921= (NM_001354896.2); c.5739C>T, p.Asn1913= (NM_001354897.2); c.5634C>T, p.Asn1878= (NM_001354898.2); c.5625C>T, p.Asn1875= (NM_001354899.2); c.5586C>T, p.Asn1862= (NM_001354900.2); c.5532C>T, p.Asn1844= (NM_001354901.2); and 5 more.
Identifiers: ClinVar variation 798121 (VCV000798121.14), dbSNP rs1371378897, ClinGen allele CA446209389.
Genomic context (GRCh38, chr5:112,841,303, plus strand): 5'-GGCAAAAGAAAATAAGGAATCAGAGGCTAAAGTTACCAGCCACACAGAACTAACCTCCAA[C>T]CAACAATCAGCTAATAAGACACAAGCTATTGCAAAGCAGCCAATAAATCGAGGTCAGCCT-3'
Protein context (NP_000029.2, residues 1893-1913): KVTSHTELTS[Asn1903=]QQSANKTQAI